The following is an entry in ClinVar:

ClinVar aggregate classification (germline): Uncertain significance (1 of 4 stars; one submission).

Conditions:
Immunodeficiency, common variable, 2 (CVID2). Also called: HYPOGAMMAGLOBULINEMIA DUE TO TACI DEFICIENCY; ANTIBODY DEFICIENCY DUE TO TACI DEFECT. Identifiers: Orphanet 1572, MedGen C3150354, MONDO:0009413, OMIM 240500.

Submission:

Labcorp Genetics (formerly Invitae), Labcorp
Classification: Uncertain significance for Immunodeficiency, common variable, 2. Last evaluated: 2020-06-16. Review status: criteria provided, single submitter. Criteria: Invitae Variant Classification Sherloc (09022015). Collection method: clinical testing. Allele origin: germline.
Comment: This variant results in a copy number gain of the genomic region encompassing the full coding sequence of the TNFRSF13B gene. The boundaries of this event are unknown as they extend beyond the assayed region for this gene and therefore may encompass additional genes. As the precise location of this event is unknown, it may be in tandem or it may be located elsewhere in the genome. This variant has not been reported in the literature in individuals with TNFRSF13B-related conditions. In summary, the available evidence is currently insufficient to determine the role of this variant in disease. Therefore, it has been classified as a Variant of Uncertain Significance.

NC_000017.10:g.(?_16842841)_(16875409_?)dup

Gene: TNFRSF13B (TNF receptor superfamily member 13B; minus strand). Cytogenetic location: 17p11.2.
Variant type: Duplication.
Identifiers: ClinVar variation 1000113 (VCV001000113.1).